The following is an entry in ClinVar:

NM_000051.4(ATM):c.1874A>T (p.Asn625Ile)

Gene: ATM (ATM serine/threonine kinase; plus strand). Cytogenetic location: 11q22.3.
Variant type: single nucleotide variant.
Coding change: c.1874A>T on transcript NM_000051.4 (MANE Select); coding-DNA position 1874, A replaced by T.
Protein change: p.Asn625Ile; replaces asparagine 625 with isoleucine.
Molecular consequence: missense variant.
Genome position (GRCh38, 1-based): chr11:108,252,888, A>T. VCF-style: chr11-108252888-A-T. GRCh37 (hg19) VCF-style: chr11-108123615-A-T.
Other names: c.1874A>T, p.Asn625Ile (NM_001351834.2); short protein forms N625I.
Identifiers: ClinVar variation 631435 (VCV000631435.18), dbSNP rs766757573, ClinGen allele CA6264890.

ClinVar aggregate classification (germline): Uncertain significance. Review status: criteria provided, multiple submitters, no conflicts (2 of 4 stars). 5 submissions from 5 submitters: Uncertain significance (4). 1 of the submissions does not count toward it. Last evaluated 2024-07-21.

Conditions:
Familial cancer of breast. Also called: BREAST CANCER, FAMILIAL; hereditary breast carcinoma; Hereditary breast cancer. Identifiers: Orphanet 227535, MedGen C0346153, MONDO:0016419, OMIM 114480. Disease mechanism: loss of function.
Ataxia-telangiectasia syndrome (AT). Also called: Ataxia-telangiectasia, complementation group D; AT, COMPLEMENTATION GROUP C; Ataxia-telangiectasia; ATAXIA-TELANGIECTASIA, COMPLEMENTATION GROUP A; ATAXIA-TELANGIECTASIA, FRESNO VARIANT; LOUIS-BAR SYNDROME. Identifiers: Orphanet 100, MedGen C0004135, MONDO:0008840, OMIM 208900.
Hereditary cancer-predisposing syndrome. Also called: Hereditary Cancer Syndrome; Neoplastic Syndromes, Hereditary; Tumor predisposition; Hereditary neoplastic syndrome. Identifiers: Orphanet 140162, MedGen C0027672, MeSH D009386, MONDO:0015356.

Allele frequency attached by ClinVar (database versions not stated): gnomAD 0.00001; gnomAD exomes 0.00002; ExAC 0.00005.
gnomAD v4.1: 13 of 1,612,590 alleles (0.00081%); highest among the groups gnomAD compares: Non-Finnish European, 0.00093%; no homozygotes.

Submissions (5):

Labcorp Genetics (formerly Invitae), Labcorp
Classification: Uncertain significance for Ataxia-telangiectasia syndrome. Last evaluated: 2024-07-21. Review status: criteria provided, single submitter. Criteria: Invitae Variant Classification Sherloc (09022015). Collection method: clinical testing. Allele origin: germline.
Comment: This sequence change replaces asparagine, which is neutral and polar, with isoleucine, which is neutral and non-polar, at codon 625 of the ATM protein (p.Asn625Ile). This variant is present in population databases (rs766757573, gnomAD 0.005%). This variant has not been reported in the literature in individuals affected with ATM-related conditions. ClinVar contains an entry for this variant (Variation ID: 631435). An algorithm developed to predict the effect of missense changes on protein structure and function (PolyPhen-2) suggests that this variant is likely to be tolerated. In summary, the available evidence is currently insufficient to determine the role of this variant in disease. Therefore, it has been classified as a Variant of Uncertain Significance.

Ambry Genetics
Classification: Uncertain significance for Hereditary cancer-predisposing syndrome. Last evaluated: 2024-02-26. Review status: criteria provided, single submitter. Criteria: Ambry Variant Classification Scheme 2023. Collection method: clinical testing. Allele origin: germline.
Comment: The p.N625I variant (also known as c.1874A>T), located in coding exon 11 of the ATM gene, results from an A to T substitution at nucleotide position 1874. The asparagine at codon 625 is replaced by isoleucine, an amino acid with dissimilar properties. This amino acid position is conserved. In addition, this alteration is predicted to be tolerated by in silico analysis. Since supporting evidence is limited at this time, the clinical significance of this alteration remains unclear.

Baylor Genetics
Classification: Uncertain significance for Familial cancer of breast. Last evaluated: 2023-05-22. Review status: criteria provided, single submitter. Criteria: ACMG Guidelines, 2015. Collection method: clinical testing. Allele origin: unknown.

Color Diagnostics, LLC DBA Color Health
Classification: Uncertain significance for Hereditary cancer-predisposing syndrome. Last evaluated: 2019-06-22. Review status: criteria provided, single submitter. Criteria: ACMG Guidelines, 2015. Collection method: clinical testing. Allele origin: germline.

Natera, Inc.
Classification: Uncertain significance for Ataxia-telangiectasia. Last evaluated: 2019-10-28. Review status: no assertion criteria provided. Collection method: clinical testing. Allele origin: germline. Not counted in ClinVar's aggregate classification.